The following is an entry in ClinVar:

NM_001384125.1(BLTP1):c.1366G>A (p.Ala456Thr)

Gene: BLTP1 (bridge-like lipid transfer protein family member 1; plus strand). Cytogenetic location: 4q27.
Variant type: single nucleotide variant.
Coding change: c.1366G>A on transcript NM_001384125.1 (MANE Select); coding-DNA position 1366, G replaced by A.
Protein change: p.Ala456Thr; replaces alanine 456 with threonine.
Molecular consequence: missense variant.
Genome position (GRCh38, 1-based): chr4:122,199,436, G>A. VCF-style: chr4-122199436-G-A. GRCh37 (hg19) VCF-style: chr4-123120591-G-A.
Other names: c.1366G>A, p.Ala456Thr (NM_015312.4); short protein forms A456T.
Identifiers: ClinVar variation 4891027 (VCV004891027.1).

ClinVar aggregate classification (germline): Uncertain significance (1 of 4 stars; one submission).

Submission:

Greenwood Genetic Center Diagnostic Laboratories, Greenwood Genetic Center
Classification: Uncertain significance. Last evaluated: 2026-04-23. Review status: criteria provided, single submitter. Criteria: ACMG Guidelines, 2015. Collection method: clinical testing. Allele origin: germline.
Comment: PM2, PP2